The following is an entry in ClinVar:

NM_017934.7(PHIP):c.129+8C>T

Gene: PHIP (PHIP subunit of CUL4-Ring ligase complex; minus strand). Cytogenetic location: 6q14.1.
Variant type: single nucleotide variant.
Coding change: c.129+8C>T on transcript NM_017934.7 (MANE Select); 8 bases into the intron after coding-DNA position 129, C replaced by T.
Molecular consequence: intron variant.
Genome position (GRCh38, 1-based): chr6:79,077,692, G>A on the plus strand (C>T on the coding strand, the complement: PHIP is on the minus strand). VCF-style: chr6-79077692-G-A. GRCh37 (hg19) VCF-style: chr6-79787409-G-A.
Identifiers: ClinVar variation 3351721 (VCV003351721.3).

ClinVar aggregate classification (germline): Likely benign. Review status: criteria provided, single submitter (1 of 4 stars). 2 submissions from 2 submitters: Likely benign (1). 1 of the submissions does not count toward it. Last evaluated 2024-10-23.

Conditions:
PHIP-related disorder. Also called: PHIP-related condition; PHIP-related disorders.

gnomAD v4.1: 7 of 987,790 alleles (0.00071%); highest among the groups gnomAD compares: South Asian, 0.0041%; no homozygotes.

Submissions (2):

Labcorp Genetics (formerly Invitae), Labcorp
Classification: Likely benign. Last evaluated: 2024-10-23. Review status: criteria provided, single submitter. Criteria: Invitae Variant Classification Sherloc (09022015). Collection method: clinical testing. Allele origin: germline.

PreventionGenetics, part of Exact Sciences
Classification: Likely benign for PHIP-related condition. Last evaluated: 2022-08-05. Review status: no assertion criteria provided. Collection method: clinical testing. Allele origin: germline. Not counted in ClinVar's aggregate classification.
Comment: This variant is classified as likely benign based on ACMG/AMP sequence variant interpretation guidelines (Richards et al. 2015 PMID: 25741868, with internal and published modifications).